The following is an entry in ClinVar:

ClinVar aggregate classification (germline): Pathogenic (1 of 4 stars; one submission).

Submission:

Labcorp Genetics (formerly Invitae), Labcorp
Classification: Pathogenic. Last evaluated: 2024-03-13. Review status: criteria provided, single submitter. Criteria: Invitae Variant Classification Sherloc (09022015). Collection method: clinical testing. Allele origin: germline.
Comment: This sequence change creates a premature translational stop signal (p.Val641Glyfs*7) in the RIN2 gene. It is expected to result in an absent or disrupted protein product. Loss-of-function variants in RIN2 are known to be pathogenic (PMID: 19631308). This variant is not present in population databases (gnomAD no frequency). This variant has not been reported in the literature in individuals affected with RIN2-related conditions. For these reasons, this variant has been classified as Pathogenic.

Literature cited by the submitters: PubMed 19631308.

NM_018993.4(RIN2):c.1916dup (p.Val641fs)

Gene: RIN2 (Ras and Rab interactor 2; plus strand). Cytogenetic location: 20p11.23.
Variant type: Duplication.
Coding change: c.1916dup on transcript NM_018993.4 (MANE Select); coding-DNA position 1916, one base duplicated (T; older notation c.1916dupT).
Protein change: p.Val641fs; shifts the reading frame from valine 641.
Molecular consequence: frameshift variant.
Genome position (GRCh38, 1-based): chr20:19,990,159, T duplicated. VCF-style (leftmost placement, unchanged base first): chr20-19990158-C-CT. GRCh37 (hg19) VCF-style: chr20-19970802-C-CT.
Other names: c.2063dup, p.Val690fs (NM_001242581.2); c.1298dup, p.Val435fs (NM_001378238.1); short protein forms V435fs, V641fs, V690fs.
Identifiers: ClinVar variation 3645796 (VCV003645796.2).